The following is an entry in ClinVar:

ClinVar aggregate classification (germline): Likely benign. Review status: criteria provided, multiple submitters, no conflicts (2 of 4 stars). 3 submissions from 3 submitters: Likely benign (2). 1 of the submissions does not count toward it. Last evaluated 2025-05-19.

Conditions:
Autosomal recessive polycystic kidney disease (ARPKD). Also called: AR polycystic kidney disease. Identifiers: Orphanet 731, Orphanet 8378, MedGen C0085548, MeSH D017044, MONDO:0009889.
PKHD1-related disorder. Also called: PKHD1-related condition.
Polycystic kidney disease 4 (PKD4). Also called: POLYCYSTIC KIDNEY AND HEPATIC DISEASE 1; POLYCYSTIC KIDNEY DISEASE, INFANTILE, TYPE I; POLYCYSTIC KIDNEY DISEASE 4 WITH OR WITHOUT POLYCYSTIC LIVER DISEASE; PKD3; Autosomal Recessive Polycystic Kidney Disease – PKHD1. Identifiers: MedGen C4540575, MONDO:0033004, OMIM 263200.

Allele frequency attached by ClinVar (database versions not stated): ExAC 0.00001; gnomAD 0.00001; gnomAD exomes 0.00001; TOPMed 0.00002.

Submissions (3):

Labcorp Genetics (formerly Invitae), Labcorp
Classification: Likely benign for Autosomal recessive polycystic kidney disease. Last evaluated: 2025-05-19. Review status: criteria provided, single submitter. Criteria: Invitae Variant Classification Sherloc (09022015). Collection method: clinical testing. Allele origin: germline.

Fulgent Genetics
Classification: Likely benign for Polycystic kidney disease 4. Last evaluated: 2022-02-02. Review status: criteria provided, single submitter. Criteria: ACMG Guidelines, 2015. Collection method: clinical testing. Allele origin: unknown.

PreventionGenetics, part of Exact Sciences
Classification: Likely benign for PKHD1-related condition. Last evaluated: 2024-07-31. Review status: no assertion criteria provided. Collection method: clinical testing. Allele origin: germline. Not counted in ClinVar's aggregate classification.
Comment: This variant is classified as likely benign based on ACMG/AMP sequence variant interpretation guidelines (Richards et al. 2015 PMID: 25741868, with internal and published modifications).

NM_138694.4(PKHD1):c.7539A>G (p.Leu2513=)

Gene: PKHD1 (PKHD1 ciliary IPT domain containing fibrocystin/polyductin; minus strand). Cytogenetic location: 6p12.2.
Variant type: single nucleotide variant.
Coding change: c.7539A>G on transcript NM_138694.4 (MANE Select); coding-DNA position 7539, A replaced by G.
Protein change: p.Leu2513=; no amino-acid change (leucine 2513 retained).
Molecular consequence: synonymous variant.
Genome position (GRCh38, 1-based): chr6:51,868,057, T>C on the plus strand (A>G on the coding strand, the complement: PKHD1 is on the minus strand). VCF-style: chr6-51868057-T-C. GRCh37 (hg19) VCF-style: chr6-51732855-T-C.
Other names: c.7539A>G, p.Leu2513= (NM_170724.3); c.7539A>G (NM_138694.3).
Identifiers: ClinVar variation 1085403 (VCV001085403.11), dbSNP rs746499996, ClinGen allele CA3851901.